The following is an entry in ClinVar:

ClinVar aggregate classification (germline): Uncertain significance (1 of 4 stars; one submission).

Conditions:
Ataxia-telangiectasia-like disorder (ATLD). Identifiers: MedGen C1858391, MONDO:0011457.

Submission:

Labcorp Genetics (formerly Invitae), Labcorp
Classification: Uncertain significance for Ataxia-telangiectasia-like disorder. Last evaluated: 2020-10-10. Review status: criteria provided, single submitter. Criteria: Invitae Variant Classification Sherloc (09022015). Collection method: clinical testing. Allele origin: germline.
Comment: This variant has not been reported in the literature in individuals with MRE11-related conditions. Algorithms developed to predict the effect of missense changes on protein structure and function (SIFT, PolyPhen-2, Align-GVGD) all suggest that this variant is likely to be tolerated, but these predictions have not been confirmed by published functional studies and their clinical significance is uncertain. In summary, the available evidence is currently insufficient to determine the role of this variant in disease. Therefore, it has been classified as a Variant of Uncertain Significance. This sequence change replaces methionine with arginine at codon 675 of the MRE11 protein (p.Met675Arg). The methionine residue is weakly conserved and there is a moderate physicochemical difference between methionine and arginine. This variant is not present in population databases (ExAC no frequency).

NM_005591.4(MRE11):c.2024T>G (p.Met675Arg)

Gene: MRE11 (MRE11 double strand break repair nuclease; minus strand). Cytogenetic location: 11q21.
Variant type: single nucleotide variant.
Coding change: c.2024T>G on transcript NM_005591.4 (MANE Select); coding-DNA position 2024, T replaced by G.
Protein change: p.Met675Arg; replaces methionine 675 with arginine.
Molecular consequence: missense variant.
Genome position (GRCh38, 1-based): chr11:94,429,957, A>C on the plus strand (T>G on the coding strand, the complement: MRE11 is on the minus strand). VCF-style: chr11-94429957-A-C. GRCh37 (hg19) VCF-style: chr11-94163123-A-C.
Other names: c.2021T>G, p.Met674Arg (NM_001330347.2); c.1940T>G, p.Met647Arg (NM_005590.4); short protein forms M647R, M674R, M675R.
Identifiers: ClinVar variation 1041089 (VCV001041089.8), dbSNP rs1173614760, ClinGen allele CA382373524.